The following is an entry in ClinVar:

ClinVar aggregate classification (germline): Benign/Likely benign. Review status: criteria provided, multiple submitters, no conflicts (2 of 4 stars). 10 submissions from 10 submitters: Benign (8); Likely benign (1). 1 of the submissions does not count toward it. Last evaluated 2026-04-02.

Conditions:
Retinal dystrophy. Also called: Inherited retinal dystrophy. Identifiers: Orphanet 71862, MedGen C0854723, MeSH D058499, MONDO:0019118, HP:0000556.
Usher syndrome type 2A. Also called: RETINAL DISEASE IN USHER SYNDROME TYPE IIA, MODIFIER OF; USHER SYNDROME, TYPE IIA. Identifiers: Orphanet 231178, Orphanet 886, MedGen C1848634, MONDO:0010169, OMIM 276901.

Allele frequency attached by ClinVar (database versions not stated): gnomAD 0.10108 and 0.09942; ExAC 0.11018; gnomAD exomes 0.11045 and 0.13120; 1000 Genomes Project 0.06270; 1000 Genomes Project 30x 0.06199; ESP Exome Variant Server 0.11367; TOPMed 0.09745.
gnomAD v4.1: 206,897 of 1,612,682 alleles (13%); highest among the groups gnomAD compares: Middle Eastern, 17%; 14,579 homozygotes.

Submissions (10):

Women's Health and Genetics/Laboratory Corporation of America, LabCorp
Classification: Likely benign. Last evaluated: 2026-04-02. Review status: criteria provided, single submitter. Criteria: LabCorp Variant Classification Summary - May 2015. Collection method: clinical testing. Allele origin: germline.

Labcorp Genetics (formerly Invitae), Labcorp
Classification: Benign. Last evaluated: 2026-02-04. Review status: criteria provided, single submitter. Criteria: Invitae Variant Classification Sherloc (09022015). Collection method: clinical testing. Allele origin: germline.

Dept Of Ophthalmology, Nagoya University
Classification: Benign for Retinal dystrophy. Last evaluated: 2023-10-01. Review status: criteria provided, single submitter. Criteria: Submitter's publication. Collection method: research. Allele origin: germline. Affected: yes.

Genome-Nilou Lab
Classification: Benign for Usher syndrome type 2A. Last evaluated: 2021-07-01. Review status: criteria provided, single submitter. Criteria: ACMG Guidelines, 2015. Collection method: clinical testing. Allele origin: germline. Affected: no.

Mayo Clinic Laboratories, Mayo Clinic
Classification: Benign. Last evaluated: 2020-12-09. Review status: criteria provided, single submitter. Criteria: ACMG Guidelines, 2015. Collection method: clinical testing. Allele origin: germline. Observed: 34 variant alleles.

GeneDx
Classification: Benign. Last evaluated: 2013-01-07. Review status: criteria provided, single submitter. Criteria: GeneDx Variant Classification (06012015). Collection method: clinical testing. Allele origin: germline. Affected: yes.
Comment: This variant is considered likely benign or benign based on one or more of the following criteria: it is a conservative change, it occurs at a poorly conserved position in the protein, it is predicted to be benign by multiple in silico algorithms, and/or has population frequency not consistent with disease.

Laboratory for Molecular Medicine, Mass General Brigham Personalized Medicine
Classification: Benign. Last evaluated: 2008-02-19. Review status: criteria provided, single submitter. Criteria: LMM Criteria. Collection method: clinical testing. Allele origin: germline. Observed: 524 variant alleles.

Breakthrough Genomics
Classification: Benign. Review status: criteria provided, single submitter. Criteria: ACMG Guidelines, 2015. Collection method: not provided. Allele origin: germline. Inheritance: Autosomal recessive inheritance. Affected: yes.

PreventionGenetics, part of Exact Sciences
Classification: Benign. Review status: criteria provided, single submitter. Criteria: ACMG Guidelines, 2015. Collection method: clinical testing. Allele origin: germline.

Natera, Inc.
Classification: Benign for Usher syndrome type 2A. Last evaluated: 2020-09-16. Review status: no assertion criteria provided. Collection method: clinical testing. Allele origin: germline. Not counted in ClinVar's aggregate classification.

NM_206933.4(USH2A):c.4994T>C (p.Ile1665Thr)

Genes: USH2A (usherin; minus strand), USH2A-AS2 (USH2A antisense RNA 2; plus strand). Cytogenetic location: 1q41.
Variant type: single nucleotide variant.
Coding change: c.4994T>C on transcript NM_206933.4 (MANE Select); coding-DNA position 4994, T replaced by C.
Protein change: p.Ile1665Thr; replaces isoleucine 1665 with threonine.
Molecular consequence: missense variant.
Genome position (GRCh38, 1-based): chr1:216,084,871, A>G on the plus strand (T>C on the coding strand, the complement: USH2A is on the minus strand). VCF-style: chr1-216084871-A-G. GRCh37 (hg19) VCF-style: chr1-216258213-A-G.
Other names: p.I1665T:ATC>ACC; short protein forms I1665T.
Identifiers: ClinVar variation 48525 (VCV000048525.23), dbSNP rs56222536, ClinGen allele CA143505.